The following is an entry in ClinVar:

ClinVar aggregate classification (germline): Uncertain significance (1 of 4 stars; one submission).

Conditions:
DICER1-related tumor predisposition. Also called: DICER1-related pleuropulmonary blastoma cancer predisposition syndrome; DICER1 syndrome. Identifiers: Orphanet 284343, MedGen C3839822, MONDO:0100216.

Submission:

Labcorp Genetics (formerly Invitae), Labcorp
Classification: Uncertain significance for DICER1-related tumor predisposition. Last evaluated: 2025-09-14. Review status: criteria provided, single submitter. Criteria: Invitae Variant Classification Sherloc (09022015). Collection method: clinical testing. Allele origin: germline.
Comment: This sequence change replaces leucine, which is neutral and non-polar, with proline, which is neutral and non-polar, at codon 516 of the DICER1 protein (p.Leu516Pro). This variant is not present in population databases (gnomAD no frequency). This variant has not been reported in the literature in individuals affected with DICER1-related conditions. ClinVar contains an entry for this variant (Variation ID: 1471121). Invitae Evidence Modeling of protein sequence and biophysical properties (such as structural, functional, and spatial information, amino acid conservation, physicochemical variation, residue mobility, and thermodynamic stability) indicates that this missense variant is expected to disrupt DICER1 protein function with a positive predictive value of 95%. In summary, the available evidence is currently insufficient to determine the role of this variant in disease. Therefore, it has been classified as a Variant of Uncertain Significance.

NM_177438.3(DICER1):c.1547T>C (p.Leu516Pro)

Gene: DICER1 (dicer 1, ribonuclease III; minus strand). Cytogenetic location: 14q32.13.
Variant type: single nucleotide variant.
Coding change: c.1547T>C on transcript NM_177438.3 (MANE Select); coding-DNA position 1547, T replaced by C.
Protein change: p.Leu516Pro; replaces leucine 516 with proline.
Molecular consequence: missense variant.
Genome position (GRCh38, 1-based): chr14:95,116,658, A>G on the plus strand (T>C on the coding strand, the complement: DICER1 is on the minus strand). VCF-style: chr14-95116658-A-G. GRCh37 (hg19) VCF-style: chr14-95582995-A-G.
Other names: c.1547T>C, p.Leu516Pro (NM_001195573.1, NM_001271282.3, NM_001291628.2 and 1 more transcripts); short protein forms L516P.
Identifiers: ClinVar variation 1471121 (VCV001471121.9), dbSNP rs1595411600, ClinGen allele CA390885112.